The following is an entry in ClinVar:

ClinVar aggregate classification (germline): Uncertain significance (1 of 4 stars; one submission).

Conditions:
Hypertrophic cardiomyopathy. Also called: HYPERTROPHIC MYOCARDIOPATHY. Identifiers: Orphanet 217569, MedGen C0007194, MeSH D002312, MONDO:0005045, HP:0001639.

gnomAD v4.1: 1 of 1,566,504 alleles (0.000064%); no homozygotes.

Submission:

All of Us Research Program, National Institutes of Health
Classification: Uncertain significance for Hypertrophic cardiomyopathy. Last evaluated: 2024-01-11. Review status: criteria provided, single submitter. Criteria: ACMG Guidelines, 2015. Collection method: clinical testing. Allele origin: germline. Inheritance: Autosomal dominant inheritance. Observed: 1 variant allele, 1 heterozygote.
Comment: This study involves interpretation of variants in research participants for the purpose of population health screening. Participant phenotype was not available at the time of variant classification. Additional details can be found in publication PMID: 35346344, PMCID: PMC8962531

NM_000256.3(MYBPC3):c.817C>G (p.Arg273Gly)

Gene: MYBPC3 (myosin binding protein C3; minus strand). Cytogenetic location: 11p11.2.
Variant type: single nucleotide variant.
Coding change: c.817C>G on transcript NM_000256.3 (MANE Select); coding-DNA position 817, C replaced by G.
Protein change: p.Arg273Gly; replaces arginine 273 with glycine.
Molecular consequence: missense variant.
Genome position (GRCh38, 1-based): chr11:47,347,861, G>C on the plus strand (C>G on the coding strand, the complement: MYBPC3 is on the minus strand). VCF-style: chr11-47347861-G-C. GRCh37 (hg19) VCF-style: chr11-47369412-G-C.
Other names: short protein forms R273G.
Identifiers: ClinVar variation 3074964 (VCV003074964.1), dbSNP rs551119259, ClinGen allele CA380333767.